The following is an entry in ClinVar:

NM_000214.3(JAG1):c.304A>G (p.Ile102Val)

Gene: JAG1 (jagged canonical Notch ligand 1; minus strand). Cytogenetic location: 20p12.2.
Variant type: single nucleotide variant.
Coding change: c.304A>G on transcript NM_000214.3 (MANE Select); coding-DNA position 304, A replaced by G.
Protein change: p.Ile102Val; replaces isoleucine 102 with valine.
Molecular consequence: missense variant.
Genome position (GRCh38, 1-based): chr20:10,672,784, T>C on the plus strand (A>G on the coding strand, the complement: JAG1 is on the minus strand). VCF-style: chr20-10672784-T-C. GRCh37 (hg19) VCF-style: chr20-10653432-T-C.
Other names: short protein forms I102V.
Identifiers: ClinVar variation 3573444 (VCV003573444.2).
Genomic context (GRCh38, chr20:10,672,784, plus strand): 5'-GCACGATGCGGTTGCGGTCGTTGCCGCGGCTGGCCTTGAGGTTGAAGGTGTTGCCCCCGA[T>C]GACAGGCGTGGACCCTGAGCCGAAGCTGCAGGGCCCCCCGGCCGTGACGCGGGACTGATA-3'
Protein context (NP_000205.1, residues 92-112): CSFGSGSTPV[Ile102Val]GGNTFNLKAS

Conditions:
Arteriohepatic dysplasia. Also called: Alagille Syndrome. Identifiers: Orphanet 52, MedGen C0085280, MeSH D016738, MONDO:0007318.

Submission:

Gilbert/Spinner Lab, Children's Hospital of Philadelphia
No classification provided (evidence only). Condition: Alagille syndrome. Review status: no classification provided. Collection method: research. Allele origin: not applicable. Functional consequence: functionally_abnormal.
ClinVar note: "not provided" was previously submitted as the classification for the variant. However, the classification appeared to be based only on an observation of functional data so it was converted to no classification on 2025-07-30.